The following is an entry in ClinVar:

ClinVar aggregate classification (germline): Uncertain significance (1 of 4 stars; one submission).

Conditions:
Primary ciliary dyskinesia. Also called: Ciliary dyskinesia. Identifiers: Orphanet 244, MedGen C0008780, MONDO:0016575, HP:0012265.

gnomAD v4.1: 2 of 1,613,910 alleles (0.00012%); highest among the groups gnomAD compares: Non-Finnish European, 0.00017%; no homozygotes.

Submission:

Ambry Genetics
Classification: Uncertain significance for Primary ciliary dyskinesia. Last evaluated: 2025-07-12. Review status: criteria provided, single submitter. Criteria: Ambry Variant Classification Scheme 2023. Collection method: clinical testing. Allele origin: germline.
Comment: The p.P391R variant (also known as c.1172C>G), located in coding exon 8 of the DNAAF1 gene, results from a C to G substitution at nucleotide position 1172. The proline at codon 391 is replaced by arginine, an amino acid with dissimilar properties. This amino acid position is conserved. In addition, this alteration is predicted to be tolerated by in silico analysis. Based on the available evidence, the clinical significance of this variant remains unclear.

NM_178452.6(DNAAF1):c.1172C>G (p.Pro391Arg)

Gene: DNAAF1 (dynein axonemal assembly factor 1; plus strand). Cytogenetic location: 16q24.1.
Variant type: single nucleotide variant.
Coding change: c.1172C>G on transcript NM_178452.6 (MANE Select); coding-DNA position 1172, C replaced by G.
Protein change: p.Pro391Arg; replaces proline 391 with arginine.
Molecular consequence: missense variant.
Genome position (GRCh38, 1-based): chr16:84,170,000, C>G. VCF-style: chr16-84170000-C-G. GRCh37 (hg19) VCF-style: chr16-84203606-C-G.
Other names: c.464C>G, p.Pro155Arg (NM_001318756.1); short protein forms P155R, P391R.
Identifiers: ClinVar variation 4241709 (VCV004241709.1).
Genomic context (GRCh38, chr16:84,170,000, plus strand): 5'-CAAGGCAGAAGATGGAGCTATTTGTTAAGGAAAGCTTTGAGGCCAAGGACGAGCTCTGCC[C>G]GGAAAAGCCAAGTGGAGAGGAGCCGCCTGTGGAGGCTAAAAGAGAGGATGGAGGTCCAGA-3'
Protein context (NP_848547.4, residues 381-401): ESFEAKDELC[Pro391Arg]EKPSGEEPPV